The following is an entry in ClinVar:

NM_001365951.3(KIF1B):c.3920A>T (p.His1307Leu)

Gene: KIF1B (kinesin family member 1B; plus strand). Cytogenetic location: 1p36.22.
Variant type: single nucleotide variant.
Coding change: c.3920A>T on transcript NM_001365951.3 (MANE Select); coding-DNA position 3920, A replaced by T.
Protein change: p.His1307Leu; replaces histidine 1307 with leucine.
Molecular consequence: missense variant.
Genome position (GRCh38, 1-based): chr1:10,348,704, A>T. VCF-style: chr1-10348704-A-T. GRCh37 (hg19) VCF-style: chr1-10408762-A-T.
Other names: c.3920A>T, p.His1307Leu (NM_001365952.1); c.3782A>T, p.His1261Leu (NM_015074.3); short protein forms H1307L, H1261L.
Identifiers: ClinVar variation 4092394 (VCV004092394.1).
Genomic context (GRCh38, chr1:10,348,704, plus strand): 5'-CCTAGGGCATCCAGCGAAGGATCACAGTGACCATTATCCATGAGAAGGGGAGCGAGCTCC[A>T]TTGGAAAGATGTTCGTGAACTGGTGGTAGGTGAGTACGTTTCATCAGCCAAGGATAGAAC-3'
Protein context (NP_001352880.1, residues 1297-1317): TIIHEKGSEL[His1307Leu]WKDVRELVVG

ClinVar aggregate classification (germline): Uncertain significance (1 of 4 stars; one submission).

Submission:

Ambry Genetics
Classification: Uncertain significance. Last evaluated: 2025-08-31. Review status: criteria provided, single submitter. Criteria: Ambry Variant Classification Scheme 2023. Collection method: clinical testing. Allele origin: germline.
Comment: The p.H1261L variant (also known as c.3782A>T), located in coding exon 34 of the KIF1B gene, results from an A to T substitution at nucleotide position 3782. The histidine at codon 1261 is replaced by leucine, an amino acid with similar properties. This amino acid position is conserved. In addition, this alteration is predicted to be deleterious by in silico analysis. Based on the available evidence, the clinical significance of this variant remains unclear.